The following is an entry in ClinVar:

ClinVar aggregate classification (germline): Likely benign (1 of 4 stars; one submission).

Allele frequency attached by ClinVar (database versions not stated): 1000 Genomes Project 0.00280; 1000 Genomes Project 30x 0.00312; TOPMed 0.00355; ESP Exome Variant Server 0.00384; ExAC 0.00591; gnomAD 0.00695.
gnomAD v4.1: 10,971 of 1,614,034 alleles (0.68%); highest among the groups gnomAD compares: Non-Finnish European, 0.64%; 65 homozygotes.

Submission:

CeGaT Center for Human Genetics Tuebingen
Classification: Likely benign. Last evaluated: 2023-02-01. Review status: criteria provided, single submitter. Criteria: CeGaT Center For Human Genetics Tuebingen Variant Classification Criteria Version 2. Collection method: clinical testing. Allele origin: germline. Affected: yes. Observed: 1 variant allele.
Comment: PAPPA: BS2

NM_002581.5(PAPPA):c.4147G>A (p.Val1383Met)

Genes: PAPPA (pappalysin 1; plus strand), PAPPA-AS2 (PAPPA antisense RNA 2; minus strand). Cytogenetic location: 9q33.1.
Variant type: single nucleotide variant.
Coding change: c.4147G>A on transcript NM_002581.5 (MANE Select); coding-DNA position 4147, G replaced by A.
Protein change: p.Val1383Met; replaces valine 1383 with methionine.
Molecular consequence: missense variant.
Genome position (GRCh38, 1-based): chr9:116,352,888, G>A. VCF-style: chr9-116352888-G-A. GRCh37 (hg19) VCF-style: chr9-119115167-G-A.
Other names: short protein forms V1383M.
Identifiers: ClinVar variation 2659461 (VCV002659461.24), dbSNP rs55901693, ClinGen allele CA5210222.